The following is an entry in ClinVar:

NM_001127208.3(TET2):c.3806G>C (p.Arg1269Thr)

Genes: TET2 (tet methylcytosine dioxygenase 2; plus strand), TET2-AS1 (TET2 antisense RNA 1; minus strand). Cytogenetic location: 4q24.
Variant type: single nucleotide variant.
Coding change: c.3806G>C on transcript NM_001127208.3 (MANE Select); coding-DNA position 3806, G replaced by C.
Protein change: p.Arg1269Thr; replaces arginine 1269 with threonine.
Molecular consequence: missense variant.
Genome position (GRCh38, 1-based): chr4:105,259,621, G>C. VCF-style: chr4-105259621-G-C. GRCh37 (hg19) VCF-style: chr4-106180778-G-C.
Other names: short protein forms R1269T.
Identifiers: ClinVar variation 2761581 (VCV002761581.3), dbSNP rs2476620206, ClinGen allele CA357806802.
Genomic context (GRCh38, chr4:105,259,621, plus strand): 5'-GCTGCACAGCCTATATAATGCTATCCATAGCAATGAATTTGGTCTTTTGATTTTTCAGGA[G>C]AACTTGCGCCTGTCAGGGGCTGGATCCAGAAACCTGTGGTGCCTCCTTCTCTTTTGGTTG-3'
Protein context (NP_001120680.1, residues 1259-1279): TNRRCALNEE[Arg1269Thr]TCACQGLDPE

ClinVar aggregate classification (germline): Uncertain significance (1 of 4 stars; one submission).

Submission:

Labcorp Genetics (formerly Invitae), Labcorp
Classification: Uncertain significance. Last evaluated: 2023-09-19. Review status: criteria provided, single submitter. Criteria: Invitae Variant Classification Sherloc (09022015). Collection method: clinical testing. Allele origin: germline.
Comment: In summary, the available evidence is currently insufficient to determine the role of this variant in disease. Therefore, it has been classified as a Variant of Uncertain Significance. An algorithm developed to predict the effect of missense changes on protein structure and function (PolyPhen-2) suggests that this variant is likely to be disruptive. This variant has not been reported in the literature in individuals affected with TET2-related conditions. This variant is not present in population databases (gnomAD no frequency). This sequence change replaces arginine, which is basic and polar, with threonine, which is neutral and polar, at codon 1269 of the TET2 protein (p.Arg1269Thr).